The following is an entry in ClinVar:

NM_003072.5(SMARCA4):c.4788G>C (p.Lys1596Asn)

Gene: SMARCA4 (SWI/SNF related BAF chromatin remodeling complex subunit ATPase 4; plus strand). Cytogenetic location: 19p13.2.
Variant type: single nucleotide variant.
Coding change: c.4788G>C on transcript NM_003072.5 (MANE Select); coding-DNA position 4788, G replaced by C.
Protein change: p.Lys1596Asn; replaces lysine 1596 with asparagine.
Molecular consequence: missense variant. On other transcripts: non-coding transcript variant (1).
Genome position (GRCh38, 1-based): chr19:11,060,064, G>C. VCF-style: chr19-11060064-G-C. GRCh37 (hg19) VCF-style: chr19-11170740-G-C.
Other names: c.4788G>C, p.Lys1596Asn (NM_001128844.3); c.4698G>C, p.Lys1566Asn (NM_001128845.2); c.4695G>C, p.Lys1565Asn (NM_001128846.2); c.4689G>C, p.Lys1563Asn (NM_001128847.4, NM_001374457.1); c.4686G>C, p.Lys1562Asn (NM_001128848.2); c.4884G>C, p.Lys1628Asn (NM_001128849.3, NM_001387283.1); c.4785G>C, p.Lys1595Asn (NM_001411150.1); short protein forms K1566N, K1596N, K1563N, K1595N, K1628N, K1562N, K1565N.
Identifiers: ClinVar variation 3320769 (VCV003320769.1).

ClinVar aggregate classification (germline): Uncertain significance (1 of 4 stars; one submission).

Conditions:
Hereditary cancer-predisposing syndrome. Also called: Neoplastic Syndromes, Hereditary; Tumor predisposition; Hereditary neoplastic syndrome; Hereditary Cancer Syndrome. Identifiers: Orphanet 140162, MedGen C0027672, MeSH D009386, MONDO:0015356.

Submission:

Ambry Genetics
Classification: Uncertain significance for Hereditary cancer-predisposing syndrome. Last evaluated: 2024-06-08. Review status: criteria provided, single submitter. Criteria: Ambry Variant Classification Scheme 2023. Collection method: clinical testing. Allele origin: germline.
Comment: The p.K1628N variant (also known as c.4884G>C), located in coding exon 34 of the SMARCA4 gene, results from a G to C substitution at nucleotide position 4884. The lysine at codon 1628 is replaced by asparagine, an amino acid with similar properties. This amino acid position is conserved. In addition, the in silico prediction for this alteration is inconclusive. Based on the available evidence, the clinical significance of this variant remains unclear.